The following is an entry in ClinVar:

NM_021008.4(DEAF1):c.1653C>G (p.Asp551Glu)

Gene: DEAF1 (DEAF1 transcription factor; minus strand). Cytogenetic location: 11p15.5.
Variant type: single nucleotide variant.
Coding change: c.1653C>G on transcript NM_021008.4 (MANE Select); coding-DNA position 1653, C replaced by G.
Protein change: p.Asp551Glu; replaces aspartic acid 551 with glutamic acid.
Molecular consequence: missense variant.
Genome position (GRCh38, 1-based): chr11:644,595, G>C on the plus strand (C>G on the coding strand, the complement: DEAF1 is on the minus strand). VCF-style: chr11-644595-G-C. GRCh37 (hg19) VCF-style: chr11-644595-G-C.
Other names: p.Asp551Glu; c.1428C>G, p.Asp476Glu (NM_001293634.2); c.927C>G, p.Asp309Glu (NM_001367390.1); short protein forms D309E, D476E, D551E.
Identifiers: ClinVar variation 2135632 (VCV002135632.6), dbSNP rs142320326, ClinGen allele CA379012256.

ClinVar aggregate classification (germline): Uncertain significance. Review status: criteria provided, multiple submitters, no conflicts (2 of 4 stars). 2 submissions from 2 submitters: Uncertain significance (2). Last evaluated 2025-11-03.

Conditions:
Intellectual disability, autosomal dominant 24 (VSVS). Also called: VULTO-VAN SILFHOUT-DE VRIES SYNDROME. Identifiers: MedGen C4014414, MONDO:0014357, OMIM 615828.

Submissions (2):

Labcorp Genetics (formerly Invitae), Labcorp
Classification: Uncertain significance. Last evaluated: 2025-11-03. Review status: criteria provided, single submitter. Criteria: Invitae Variant Classification Sherloc (09022015). Collection method: clinical testing. Allele origin: germline.
Comment: This sequence change replaces aspartic acid, which is acidic and polar, with glutamic acid, which is acidic and polar, at codon 551 of the DEAF1 protein (p.Asp551Glu). This variant is not present in population databases (gnomAD no frequency). This variant has not been reported in the literature in individuals affected with DEAF1-related conditions. ClinVar contains an entry for this variant (Variation ID: 2135632). Invitae Evidence Modeling of protein sequence and biophysical properties (such as structural, functional, and spatial information, amino acid conservation, physicochemical variation, residue mobility, and thermodynamic stability) indicates that this missense variant is not expected to disrupt DEAF1 protein function with a negative predictive value of 80%. In summary, the available evidence is currently insufficient to determine the role of this variant in disease. Therefore, it has been classified as a Variant of Uncertain Significance.

Foundation for Research in Genetics and Endocrinology, FRIGE's Institute of Human Genetics
Classification: Uncertain significance for Intellectual disability, autosomal dominant 24. Last evaluated: 2025-03-03. Review status: criteria provided, single submitter. Criteria: ACMG Guidelines, 2015. Collection method: clinical testing. Allele origin: germline. Inheritance: Autosomal dominant inheritance. Affected: yes. Observed: 1 heterozygote.
Comment: A heterozygous missense variant in exon 12 of the DEAF1 gene that results in the amino acid substitution of Glutamic acid for Aspartic acid at codon 551 was detected. The observed variant c.1653C>G (p.Asp551Glu) has not been reported in the 1000 genomes and gnomAD databases. The reference codon is conserved across species. In summary, the variant meets our criteria to be classified as variant of uncertain significance.